The following is an entry in ClinVar:

ClinVar aggregate classification (germline): Uncertain significance (1 of 4 stars; one submission).

Conditions:
Infantile spasms. Also called: Infantile spasm. Identifiers: MedGen C3887898, HP:0012469.

Allele frequency attached by ClinVar (database versions not stated): gnomAD exomes below 0.00001 and 0.00001; gnomAD 0.00001.
gnomAD v4.1: 8 of 1,613,724 alleles (0.0005%); highest among the groups gnomAD compares: East Asian, 0.011%; no homozygotes.

Submission:

Labcorp Genetics (formerly Invitae), Labcorp
Classification: Uncertain significance for Infantile spasms. Last evaluated: 2022-08-15. Review status: criteria provided, single submitter. Criteria: Invitae Variant Classification Sherloc (09022015). Collection method: clinical testing. Allele origin: germline.
Comment: ClinVar contains an entry for this variant (Variation ID: 1503867). In summary, the available evidence is currently insufficient to determine the role of this variant in disease. Therefore, it has been classified as a Variant of Uncertain Significance. Algorithms developed to predict the effect of missense changes on protein structure and function are either unavailable or do not agree on the potential impact of this missense change (SIFT: "Tolerated"; PolyPhen-2: "Possibly Damaging"; Align-GVGD: "Class C0"). This variant has not been reported in the literature in individuals affected with PIK3AP1-related conditions. This variant is present in population databases (no rsID available, gnomAD 0.02%). This sequence change replaces glutamic acid, which is acidic and polar, with valine, which is neutral and non-polar, at codon 420 of the PIK3AP1 protein (p.Glu420Val).

NM_152309.3(PIK3AP1):c.1259A>T (p.Glu420Val)

Gene: PIK3AP1 (phosphoinositide-3-kinase adaptor protein 1; minus strand). Cytogenetic location: 10q24.1.
Variant type: single nucleotide variant.
Coding change: c.1259A>T on transcript NM_152309.3 (MANE Select); coding-DNA position 1259, A replaced by T.
Protein change: p.Glu420Val; replaces glutamic acid 420 with valine.
Molecular consequence: missense variant.
Genome position (GRCh38, 1-based): chr10:96,645,589, T>A on the plus strand (A>T on the coding strand, the complement: PIK3AP1 is on the minus strand). VCF-style: chr10-96645589-T-A. GRCh37 (hg19) VCF-style: chr10-98405346-T-A.
Other names: short protein forms E420V.
Identifiers: ClinVar variation 1503867 (VCV001503867.6), dbSNP rs1296135119, ClinGen allele CA377744394.
Genomic context (GRCh38, chr10:96,645,589, plus strand): 5'-TCACAGCCGGGGTTGAGCGAGCATTTCATAAGCAGGTCTGTGGAAAGGTGGGCCATGGAC[T>A]CGTACACAGCATCAGCCTCCTCCCCGTGCATCAGTTCCTCTTTAATGTGACTCTTGAGCA-3'
Protein context (NP_689522.2, residues 410-430): MHGEEADAVY[Glu420Val]SMAHLSTDLL